The following is an entry in ClinVar:

NM_033641.4(COL4A6):c.821C>T (p.Pro274Leu)

Gene: COL4A6 (collagen type IV alpha 6 chain; minus strand). Cytogenetic location: Xq22.3.
Variant type: single nucleotide variant.
Coding change: c.821C>T on transcript NM_033641.4 (MANE Select); coding-DNA position 821, C replaced by T.
Protein change: p.Pro274Leu; replaces proline 274 with leucine.
Molecular consequence: missense variant.
Genome position (GRCh38, 1-based): chrX:108,202,941, G>A on the plus strand (C>T on the coding strand, the complement: COL4A6 is on the minus strand). VCF-style: chrX-108202941-G-A. GRCh37 (hg19) VCF-style: chrX-107446171-G-A.
Other names: c.821C>T, p.Pro274Leu (NM_001287758.2, NM_001287759.2, NM_001287760.2); c.824C>T, p.Pro275Leu (NM_001847.4); short protein forms P274L, P275L.
Identifiers: ClinVar variation 2158820 (VCV002158820.4), dbSNP rs760279913, ClinGen allele CA10488003.
Genomic context (GRCh38, chrX:108,202,941, plus strand): 5'-GTCCAATCAGACCCTTGTATACATATTGATCAAATAGAGAGACTTACCGGGAAGCCTGGA[G>A]GGCCACTTATGCCTGGAAAACCCTTAGGCCCTGGTTCACCCTGGAAAATCAGCCCAAGGT-3'
Protein context (NP_378667.1, residues 264-284): GPKGFPGISG[Pro274Leu]PGFPGLGTTG

ClinVar aggregate classification (germline): Uncertain significance (1 of 4 stars; one submission).

Allele frequency attached by ClinVar (database versions not stated): ExAC 0.00001; gnomAD 0.00001; gnomAD exomes 0.00001; TOPMed 0.00001.
gnomAD v4.1: 7 of 1,208,323 alleles (0.00058%); highest among the groups gnomAD compares: African/African-American, 0.0088%; no homozygotes.

Submission:

Labcorp Genetics (formerly Invitae), Labcorp
Classification: Uncertain significance. Last evaluated: 2022-07-14. Review status: criteria provided, single submitter. Criteria: Invitae Variant Classification Sherloc (09022015). Collection method: clinical testing. Allele origin: germline.
Comment: In summary, the available evidence is currently insufficient to determine the role of this variant in disease. Therefore, it has been classified as a Variant of Uncertain Significance. Algorithms developed to predict the effect of missense changes on protein structure and function output the following: SIFT: "Tolerated"; PolyPhen-2: "Not Available"; Align-GVGD: "Class C0". The leucine amino acid residue is found in multiple mammalian species, which suggests that this missense change does not adversely affect protein function. This sequence change replaces proline, which is neutral and non-polar, with leucine, which is neutral and non-polar, at codon 275 of the COL4A6 protein (p.Pro275Leu). This variant is present in population databases (rs760279913, gnomAD 0.02%). This variant has not been reported in the literature in individuals affected with COL4A6-related conditions.